The following is an entry in ClinVar:

NM_000204.5(CFI):c.869A>C (p.Glu290Ala)

Gene: CFI (complement factor I; minus strand). Cytogenetic location: 4q25.
Variant type: single nucleotide variant.
Coding change: c.869A>C on transcript NM_000204.5 (MANE Select); coding-DNA position 869, A replaced by C.
Protein change: p.Glu290Ala; replaces glutamic acid 290 with alanine.
Molecular consequence: missense variant. On other transcripts: non-coding transcript variant (3).
Genome position (GRCh38, 1-based): chr4:109,760,284, T>G on the plus strand (A>C on the coding strand, the complement: CFI is on the minus strand). VCF-style: chr4-109760284-T-G. GRCh37 (hg19) VCF-style: chr4-110681440-T-G.
Other names: c.869A>C, p.Glu290Ala (NM_001318057.2, NM_001331035.2, NM_001375278.1 and 10 more transcripts); c.260A>C, p.Glu87Ala (NM_001375284.1); short protein forms E290A, E87A.
Identifiers: ClinVar variation 4280467 (VCV004280467.2).

ClinVar aggregate classification (germline): Uncertain significance (1 of 4 stars; one submission).

Conditions:
CFI-related disorder. Also called: CFI-related condition; CFI-related disorders. Identifiers: MedGen CN239325.

Submission:

Genomenon, Inc
Classification: Uncertain significance for CFI-related disorder. Last evaluated: 2026-09-17. Review status: criteria provided, single submitter. Criteria: Genomenon Sequence Variant Interpretation Standards - Updated. Collection method: curation. Allele origin: germline. Affected: no.
Comment: CFI p.Glu290Ala (c.869A>C) is a missense variant that changes the amino acid at codon 290 from Glutamic acid to Alanine. This variant has been reported in the published literature (PMID:37363824). The presence of pathogenic/likely pathogenic missense variant(s) at the same amino acid position indicates that this residue is likely important for protein function. It is absent or not present at a significant frequency in gnomAD. In silico models predict that this variant is possibly or probably damaging. In conclusion, we classify CFI p.Glu290Ala (c.869A>C) as a variant of uncertain significance.

Literature cited by the submitters: PubMed 37363824.